The following is an entry in ClinVar:

ClinVar aggregate classification (germline): Uncertain significance (1 of 4 stars; one submission).

Allele frequency attached by ClinVar (database versions not stated): gnomAD exomes below 0.00001.
gnomAD v4.1: 4 of 1,613,998 alleles (0.00025%); highest among the groups gnomAD compares: East Asian, 0.0022%; no homozygotes.

Submission:

Women's Health and Genetics/Laboratory Corporation of America, LabCorp
Classification: Uncertain significance. Last evaluated: 2022-11-15. Review status: criteria provided, single submitter. Criteria: LabCorp Variant Classification Summary - May 2015. Collection method: clinical testing. Allele origin: germline.
Comment: Variant summary: GP1BA c.715A>G (p.Asn239Asp) results in a conservative amino acid change located in the Cysteine-rich flanking region, C-terminal (IPR000483) of the encoded protein sequence. Three of five in-silico tools predict a damaging effect of the variant on protein function. The variant was absent in 249274 control chromosomes. The available data on variant occurrences in the general population are insufficient to allow any conclusion about variant significance. To our knowledge, no occurrence of c.715A>G in individuals affected with Bernard-Soulier Syndrome, Type A2, Autosomal Dominant and no experimental evidence demonstrating its impact on protein function have been reported. No clinical diagnostic laboratories have submitted clinical-significance assessments for this variant to ClinVar after 2014. Based on the evidence outlined above, the variant was classified as uncertain significance.

NM_000173.7(GP1BA):c.715A>G (p.Asn239Asp)

Gene: GP1BA (glycoprotein Ib platelet subunit alpha; plus strand). Cytogenetic location: 17p13.2.
Variant type: single nucleotide variant.
Coding change: c.715A>G on transcript NM_000173.7 (MANE Select); coding-DNA position 715, A replaced by G.
Protein change: p.Asn239Asp; replaces asparagine 239 with aspartic acid.
Molecular consequence: missense variant.
Genome position (GRCh38, 1-based): chr17:4,933,319, A>G. VCF-style: chr17-4933319-A-G. GRCh37 (hg19) VCF-style: chr17-4836614-A-G.
Other names: short protein forms N239D.
Identifiers: ClinVar variation 1804654 (VCV001804654.1), dbSNP rs2507592828, ClinGen allele CA397318261.